The following is an entry in ClinVar:

NM_004370.6(COL12A1):c.1414A>G (p.Ile472Val)

Gene: COL12A1 (collagen type XII alpha 1 chain; minus strand). Cytogenetic location: 6q13.
Variant type: single nucleotide variant.
Coding change: c.1414A>G on transcript NM_004370.6 (MANE Select); coding-DNA position 1414, A replaced by G.
Protein change: p.Ile472Val; replaces isoleucine 472 with valine.
Molecular consequence: missense variant. On other transcripts: intron variant (1).
Genome position (GRCh38, 1-based): chr6:75,183,527, T>C on the plus strand (A>G on the coding strand, the complement: COL12A1 is on the minus strand). VCF-style: chr6-75183527-T-C. GRCh37 (hg19) VCF-style: chr6-75893243-T-C.
Other names: c.73+19193A>G (NM_080645.3); short protein forms I472V.
Identifiers: ClinVar variation 1388784 (VCV001388784.6), dbSNP rs2149466346, ClinGen allele CA364770631.

ClinVar aggregate classification (germline): Uncertain significance (1 of 4 stars; one submission).

Conditions:
Ullrich congenital muscular dystrophy 2 (UCMD2). Identifiers: Orphanet 75840, MedGen C4225314, MONDO:0014654, OMIM 616470.
Bethlem myopathy 2 (BTHLM2). Identifiers: Orphanet 536516, Orphanet 610, MedGen C4225313, MONDO:0034022, OMIM 616471.

Submission:

Labcorp Genetics (formerly Invitae), Labcorp
Classification: Uncertain significance for Bethlem myopathy 2; Ullrich congenital muscular dystrophy 2. Last evaluated: 2021-10-23. Review status: criteria provided, single submitter. Criteria: Invitae Variant Classification Sherloc (09022015). Collection method: clinical testing. Allele origin: germline.
Comment: In summary, the available evidence is currently insufficient to determine the role of this variant in disease. Therefore, it has been classified as a Variant of Uncertain Significance. Algorithms developed to predict the effect of missense changes on protein structure and function are either unavailable or do not agree on the potential impact of this missense change (SIFT: "Deleterious"; PolyPhen-2: "Possibly Damaging"; Align-GVGD: "Class C0"). This variant has not been reported in the literature in individuals affected with COL12A1-related conditions. This variant is not present in population databases (ExAC no frequency). This sequence change replaces isoleucine with valine at codon 472 of the COL12A1 protein (p.Ile472Val). The isoleucine residue is highly conserved and there is a small physicochemical difference between isoleucine and valine.